The following is an entry in ClinVar:

ClinVar aggregate classification (germline): Uncertain significance (1 of 4 stars; one submission).

Submission:

CeGaT Center for Human Genetics Tuebingen
Classification: Uncertain significance. Last evaluated: 2026-09-01. Review status: criteria provided, single submitter. Criteria: CeGaT Center For Human Genetics Tuebingen Variant Classification Criteria Version 2. Collection method: clinical testing. Allele origin: germline. Affected: yes. Observed: 1 variant allele.
Comment: VCP: PM2, PS2:Supporting

NM_007126.5(VCP):c.1617del (p.Phe539fs)

Gene: VCP (valosin containing protein; minus strand). Cytogenetic location: 9p13.3.
Variant type: Deletion.
Coding change: c.1617del on transcript NM_007126.5 (MANE Select); coding-DNA position 1617, one base deleted (C; older notation c.1617delC).
Protein change: p.Phe539fs; shifts the reading frame from phenylalanine 539.
Molecular consequence: frameshift variant.
Genome position (GRCh38, 1-based): chr9:35,060,391, G deleted on the plus strand (C on the coding strand, the reverse complement: VCP is on the minus strand). VCF-style (leftmost placement, unchanged base first): chr9-35060390-TG-T. GRCh37 (hg19) VCF-style: chr9-35060387-TG-T.
Other names: c.1482del, p.Phe494fs (NM_001354927.2, NM_001354928.2); short protein forms F494fs, F539fs.
Identifiers: ClinVar variation 5041480 (VCV005041480.1).